The following is an entry in ClinVar:

ClinVar aggregate classification (germline): Uncertain significance. Review status: criteria provided, multiple submitters, no conflicts (2 of 4 stars). 4 submissions from 4 submitters: Uncertain significance (4). Last evaluated 2026-02-18.

Conditions:
Charcot-Marie-Tooth disease axonal type 2S. Also called: CHARCOT-MARIE-TOOTH DISEASE, AXONAL, AUTOSOMAL RECESSIVE, TYPE 2S; CHARCOT-MARIE-TOOTH NEUROPATHY, TYPE 2S. Identifiers: Orphanet 443073, MedGen C4015349, MONDO:0014511, OMIM 616155.
Autosomal recessive distal spinal muscular atrophy 1. Also called: HMN VI; Spinal muscular atrophy with respiratory distress 1; NEURONOPATHY, SEVERE INFANTILE AXONAL, WITH RESPIRATORY FAILURE; SEVERE INFANTILE AXONAL NEUROPATHY WITH RESPIRATORY FAILURE; SPINAL MUSCULAR ATROPHY, DIAPHRAGMATIC; NEURONOPATHY, DISTAL HEREDITARY MOTOR, HARDING TYPE VI. Identifiers: Orphanet 98920, MedGen C1858517, MONDO:0011436, OMIM 604320.
IGHMBP2-related disorder. Also called: IGHMBP2-related condition; IGHMBP2-related disorders.
Inborn genetic diseases. Identifiers: MedGen C0950123, MeSH D030342.

Allele frequency attached by ClinVar (database versions not stated): TOPMed 0.00003; gnomAD 0.00005 and 0.00006.
gnomAD v4.1: 60 of 1,614,072 alleles (0.0037%); highest among the groups gnomAD compares: Non-Finnish European, 0.0037%; no homozygotes.

Submissions (4):

PreventionGenetics, part of Exact Sciences
Classification: Uncertain significance for IGHMBP2-related condition. Last evaluated: 2026-02-18. Review status: criteria provided, single submitter. Criteria: ACMG Guidelines, 2015. Collection method: clinical testing. Allele origin: germline.
Comment: The IGHMBP2 c.724G>A variant is predicted to result in the amino acid substitution p.Ala242Thr. To our knowledge, this variant has not been reported in the literature. This variant is reported in 0.0085% of alleles in individuals of European (Non-Finnish) descent in gnomAD. At this time, the clinical significance of this variant is uncertain due to the absence of conclusive functional and genetic evidence.

Ambry Genetics
Classification: Uncertain significance for Inborn genetic diseases. Last evaluated: 2025-09-11. Review status: criteria provided, single submitter. Criteria: Ambry Variant Classification Scheme 2023. Collection method: clinical testing. Allele origin: germline.

Labcorp Genetics (formerly Invitae), Labcorp
Classification: Uncertain significance for Autosomal recessive distal spinal muscular atrophy 1; Charcot-Marie-Tooth disease axonal type 2S. Last evaluated: 2021-12-27. Review status: criteria provided, single submitter. Criteria: Invitae Variant Classification Sherloc (09022015). Collection method: clinical testing. Allele origin: germline.
Comment: This sequence change replaces alanine, which is neutral and non-polar, with threonine, which is neutral and polar, at codon 242 of the IGHMBP2 protein (p.Ala242Thr). This variant is present in population databases (rs746259825, gnomAD 0.007%). This variant has not been reported in the literature in individuals affected with IGHMBP2-related conditions. ClinVar contains an entry for this variant (Variation ID: 841175). Advanced modeling of protein sequence and biophysical properties (such as structural, functional, and spatial information, amino acid conservation, physicochemical variation, residue mobility, and thermodynamic stability) performed at Invitae indicates that this missense variant is expected to disrupt IGHMBP2 protein function. In summary, the available evidence is currently insufficient to determine the role of this variant in disease. Therefore, it has been classified as a Variant of Uncertain Significance.

Revvity Omics, Revvity
Classification: Uncertain significance. Last evaluated: 2019-02-06. Review status: criteria provided, single submitter. Criteria: ACMG Guidelines, 2015. Collection method: clinical testing. Allele origin: germline.

NM_002180.3(IGHMBP2):c.724G>A (p.Ala242Thr)

Gene: IGHMBP2 (immunoglobulin mu DNA binding protein 2; plus strand). Cytogenetic location: 11q13.3.
Variant type: single nucleotide variant.
Coding change: c.724G>A on transcript NM_002180.3 (MANE Select); coding-DNA position 724, G replaced by A.
Protein change: p.Ala242Thr; replaces alanine 242 with threonine.
Molecular consequence: missense variant.
Genome position (GRCh38, 1-based): chr11:68,914,835, G>A. VCF-style: chr11-68914835-G-A. GRCh37 (hg19) VCF-style: chr11-68682303-G-A.
Other names: short protein forms A242T.
Identifiers: ClinVar variation 841175 (VCV000841175.13), dbSNP rs746259825, ClinGen allele CA6153378.